The following is an entry in ClinVar:

NM_001379500.1(COL18A1):c.3520C>T (p.Pro1174Ser)

Genes: COL18A1 (collagen type XVIII alpha 1 chain; plus strand), SLC19A1 (solute carrier family 19 member 1; minus strand). Cytogenetic location: 21q22.3.
Variant type: single nucleotide variant.
Coding change: c.3520C>T on transcript NM_001379500.1 (MANE Select); coding-DNA position 3520, C replaced by T.
Protein change: p.Pro1174Ser; replaces proline 1174 with serine.
Molecular consequence: missense variant.
Genome position (GRCh38, 1-based): chr21:45,510,088, C>T. VCF-style: chr21-45510088-C-T. GRCh37 (hg19) VCF-style: chr21-46930002-C-T.
Other names: c.4051C>T, p.Pro1351Ser (NM_030582.4); c.4756C>T, p.Pro1586Ser (NM_130444.3); short protein forms P1586S, P1351S, P1174S.
Identifiers: ClinVar variation 1493590 (VCV001493590.1), dbSNP rs2037488040, ClinGen allele CA410501491.

ClinVar aggregate classification (germline): Uncertain significance (1 of 4 stars; one submission).

Allele frequency attached by ClinVar (database versions not stated): gnomAD exomes below 0.00001.
gnomAD v4.1: 2 of 1,584,054 alleles (0.00013%); highest among the groups gnomAD compares: Non-Finnish European, 0.000086%; no homozygotes.

Submission:

Labcorp Genetics (formerly Invitae), Labcorp
Classification: Uncertain significance. Last evaluated: 2021-09-04. Review status: criteria provided, single submitter. Criteria: Invitae Variant Classification Sherloc (09022015). Collection method: clinical testing. Allele origin: germline.
Comment: This sequence change replaces proline with serine at codon 1171 of the COL18A1 protein (p.Pro1171Ser). There is a moderate physicochemical difference between proline and serine. This variant is not present in population databases (ExAC no frequency). This variant has not been reported in the literature in individuals affected with COL18A1-related conditions. Experimental studies and prediction algorithms are not available or were not evaluated, and the functional significance of this variant is currently unknown. In summary, the available evidence is currently insufficient to determine the role of this variant in disease. Therefore, it has been classified as a Variant of Uncertain Significance.